The following is an entry in ClinVar:

ClinVar aggregate classification (germline): Uncertain significance. Review status: criteria provided, multiple submitters, no conflicts (2 of 4 stars). 5 submissions from 5 submitters: Uncertain significance (5). Last evaluated 2025-02-12.

Conditions:
Inborn genetic diseases. Identifiers: MedGen C0950123, MeSH D030342.

Allele frequency attached by ClinVar (database versions not stated): gnomAD exomes 0.00005; TOPMed 0.00006; 1000 Genomes Project 0.00020; 1000 Genomes Project 30x 0.00031; ExAC 0.00003; gnomAD 0.00003.
gnomAD v4.1: 60 of 1,613,840 alleles (0.0037%); highest among the groups gnomAD compares: Admixed American, 0.018%; no homozygotes.

Submissions (5):

Labcorp Genetics (formerly Invitae), Labcorp
Classification: Uncertain significance. Last evaluated: 2025-02-12. Review status: criteria provided, single submitter. Criteria: Invitae Variant Classification Sherloc (09022015). Collection method: clinical testing. Allele origin: germline.
Comment: This sequence change replaces arginine, which is basic and polar, with cysteine, which is neutral and slightly polar, at codon 3141 of the HSPG2 protein (p.Arg3141Cys). This variant is present in population databases (rs560125766, gnomAD 0.02%). This variant has not been reported in the literature in individuals affected with HSPG2-related conditions. ClinVar contains an entry for this variant (Variation ID: 586008). An algorithm developed to predict the effect of missense changes on protein structure and function (PolyPhen-2) suggests that this variant is likely to be disruptive. In summary, the available evidence is currently insufficient to determine the role of this variant in disease. Therefore, it has been classified as a Variant of Uncertain Significance.

Blueprint Genetics
Classification: Uncertain significance. Last evaluated: 2024-07-16. Review status: criteria provided, single submitter. Criteria: ACMG Guidelines, 2015. Collection method: clinical testing. Allele origin: germline.

Ambry Genetics
Classification: Uncertain significance for Inborn genetic diseases. Last evaluated: 2021-09-17. Review status: criteria provided, single submitter. Criteria: Ambry Variant Classification Scheme 2023. Collection method: clinical testing. Allele origin: germline.

Athena Diagnostics
Classification: Uncertain significance. Last evaluated: 2019-09-26. Review status: criteria provided, single submitter. Criteria: Athena Diagnostics Criteria. Collection method: clinical testing. Allele origin: unknown.

Revvity Omics, Revvity
Classification: Uncertain significance. Last evaluated: 2019-07-09. Review status: criteria provided, single submitter. Criteria: ACMG Guidelines, 2015. Collection method: clinical testing. Allele origin: germline.

NM_005529.7(HSPG2):c.9421C>T (p.Arg3141Cys)

Gene: HSPG2 (heparan sulfate proteoglycan 2; minus strand). Cytogenetic location: 1p36.12.
Variant type: single nucleotide variant.
Coding change: c.9421C>T on transcript NM_005529.7 (MANE Select); coding-DNA position 9421, C replaced by T.
Protein change: p.Arg3141Cys; replaces arginine 3141 with cysteine.
Molecular consequence: missense variant.
Genome position (GRCh38, 1-based): chr1:21,841,193, G>A on the plus strand (C>T on the coding strand, the complement: HSPG2 is on the minus strand). VCF-style: chr1-21841193-G-A. GRCh37 (hg19) VCF-style: chr1-22167686-G-A.
Other names: c.9424C>T, p.Arg3142Cys (NM_001291860.2); c.9421C>T (NM_005529.5); short protein forms R3141C, R3142C.
Identifiers: ClinVar variation 586008 (VCV000586008.11), dbSNP rs560125766, ClinGen allele CA670451.